The following is an entry in ClinVar:

ClinVar aggregate classification (germline): Benign. Review status: reviewed by expert panel (3 of 4 stars). 37 submissions from 31 submitters: Benign (1). 36 of the submissions do not count toward it. Last evaluated 2023-02-01.

Conditions:
MASS syndrome (OCTD). Also called: MASS PHENOTYPE; OVERLAP CONNECTIVE TISSUE DISEASE. Identifiers: MedGen C1858556, MONDO:0011431, OMIM 604308.
Ectopia lentis. Identifiers: MedGen C0013581, HP:0001083.
Weill-Marchesani syndrome. Also called: WM Syndrome; Mesodermal dysmorphodystrophy congenital. Identifiers: Orphanet 3449, MedGen C0265313, MONDO:0018096.
Congenital aneurysm of ascending aorta (AAT1). Also called: AORTIC ANEURYSM, FAMILIAL THORACIC 1; Familial thoracic aortic aneurysm; Aortic aneurysm, thoracic; ANNULOAORTIC ECTASIA. Identifiers: Orphanet 229, MedGen C0345050, MONDO:0024559, OMIM 607086.
Marfan syndrome (MFS). Also called: Marfan syndrome, classic; MARFAN SYNDROME, TYPE I; Marfan syndrome type 1; Marfan's syndrome; FBN1-Related Marfan Syndrome. Identifiers: Orphanet 284963, Orphanet 558, MedGen C0024796, MONDO:0007947, OMIM 154700.
Stiff skin syndrome (SSKS). Identifiers: Orphanet 2833, MedGen C1861456, MONDO:0008492, OMIM 184900.
Progeroid and marfanoid aspect-lipodystrophy syndrome. Also called: MARFANOID-PROGEROID-LIPODYSTROPHY SYNDROME; MARFANOID-PROGEROID SYNDROME; MARFAN-PROGEROID-LIPODYSTROPHY SYNDROME; Marfan lipodystrophy syndrome. Identifiers: Orphanet 300382, MedGen C4310796, MONDO:0014831, OMIM 616914.
Geleophysic dysplasia 2 (GPHYSD2). Identifiers: Orphanet 2623, MedGen C3280054, MONDO:0013612, OMIM 614185.
Acromicric dysplasia (ACMICD). Also called: Acromicric skeletal dysplasia. Identifiers: Orphanet 969, MedGen C0265287, MONDO:0007055, OMIM 102370.
Weill-Marchesani syndrome 2, dominant. Also called: FBN1-Related Weill-Marchesani Syndrome; Weill-Marchesani Syndrome, Autosomal Dominant. Identifiers: Orphanet 2084, MedGen C1869115, MONDO:0012013, OMIM 608328.
Ectopia lentis 1, isolated, autosomal dominant (ECTOL1). Identifiers: Orphanet 1885, MedGen C3541518, MONDO:0007514, OMIM 129600.
Geleophysic dysplasia. Identifiers: Orphanet 2623, MedGen C3489726, MONDO:0000127.
Familial thoracic aortic aneurysm and aortic dissection (TAAD). Also called: Thoracic aortic aneurysms and dissections. Identifiers: Orphanet 91387, MedGen C4707243, MONDO:0019625.
FBN1-related disorder. Also called: FBN1-related disorders.

Allele frequency attached by ClinVar (database versions not stated): ExAC 0.00117; gnomAD 0.00165 and 0.00168; 1000 Genomes Project 30x 0.00078; 1000 Genomes Project 0.00080; gnomAD exomes 0.00246 and 0.00126; TOPMed 0.00219.
gnomAD v4.1: 3,834 of 1,614,138 alleles (0.24%); highest among the groups gnomAD compares: Non-Finnish European, 0.3%; 5 homozygotes.

Submissions 1 to 12 of 37:

ClinGen FBN1 Variant Curation Expert Panel, ClinGen
Classification: Benign for Marfan syndrome. Last evaluated: 2023-02-01. Review status: reviewed by expert panel. Criteria: Assertion Criteria VCEP FBN1 Version 1. Collection method: curation. Allele origin: germline. Inheritance: Autosomal dominant inheritance.
Comment: The NM_00138 c.3509G>A, is a missense variant in FBN1 predicted to cause a substitution of an arginine acid by histidine at amino acid 1170 (p.Arg1170His). This variant has been previously reported in several apparently unrelated individuals with Marfan syndrome (PMID 26787436, internal data), incomplete Marfan syndrome, including with skeletal features and/or mitral valve prolapse (PMID 7870075, 9837823, 17418587, 17627385, 17657824), in individuals with isolated thoracic aortic aneurysm and/or dissection (internal data) and in other phenotypes like arterial dissection and venous bleeding (internal data). This variant was found to segregate with disease in seven affected individuals with incomplete Marfan syndrome from three families (PMID 7870075, 9837823, internal data). This variant has been found to co-occur with different pathogenic variants in FBN1 (BP2), TGFBR1, and TGFRB2 (BP5) (internal data). This variant has been identified in 286 individuals of European non-Finnish origin (MAF: 0.2%) (BA1;, version 2.1.1). The variant in FBN1 has been reported 21 times in ClinVar: 16 times as likely benign and 5 times as uncertain significance (Variation ID: 16451). Computational prediction tools and conservation analysis are unclear on the predicted impact on the protein (REVEL: 0.502). Functional studies, including in-vitro splicing analysis, found that this variant had no impact on splicing (PMID 21895641, 32123317). The constraint z-score for missense variants affecting FBN1 is 5.06, however due to the presence of benign arguments, PP2 cannot be used. In summary, this variant meets criteria to be classified as benign for Marfan syndrome based on the ACMG/AMP criteria applied, as specified by the ClinGen FBN1 VCEP: BA1, BP2, BP5.

CeGaT Center for Human Genetics Tuebingen
Classification: Likely benign. Last evaluated: 2026-07-01. Review status: criteria provided, single submitter. Criteria: CeGaT Center For Human Genetics Tuebingen Variant Classification Criteria Version 2. Collection method: clinical testing. Allele origin: germline. Affected: yes. Observed: 14 variant alleles. Not counted in ClinVar's aggregate classification.
Comment: FBN1: BS1

Labcorp Genetics (formerly Invitae), Labcorp
Classification: Likely benign for Marfan syndrome; Familial thoracic aortic aneurysm and aortic dissection. Last evaluated: 2026-02-04. Review status: criteria provided, single submitter. Criteria: Invitae Variant Classification Sherloc (09022015). Collection method: clinical testing. Allele origin: germline. Not counted in ClinVar's aggregate classification.

Mayo Clinic Laboratories, Mayo Clinic
Classification: Likely benign. Last evaluated: 2025-09-29. Review status: criteria provided, single submitter. Criteria: ACMG Guidelines, 2015. Collection method: clinical testing. Allele origin: germline. Observed: 9 variant alleles. Not counted in ClinVar's aggregate classification.
Comment: BA1, BP2, BP5

Genomic Medicine Center of Excellence, King Faisal Specialist Hospital and Research Centre
Classification: Likely benign for Marfan syndrome. Last evaluated: 2025-09-10. Review status: criteria provided, single submitter. Criteria: ACMG Guidelines, 2015. Collection method: clinical testing. Allele origin: germline. Not counted in ClinVar's aggregate classification.

Molecular Diagnostic Laboratory for Inherited Cardiovascular Disease, Montreal Heart Institute
Classification: Likely benign. Last evaluated: 2025-04-09. Review status: criteria provided, single submitter. Criteria: ACMG Guidelines, 2015. Collection method: clinical testing. Allele origin: germline. Affected: no. Not counted in ClinVar's aggregate classification.
Comment: PM1, PP2, BS1, BP6

ARUP Laboratories, Molecular Genetics and Genomics, ARUP Laboratories
Classification: Benign. Last evaluated: 2025-03-21. Review status: criteria provided, single submitter. Criteria: ARUP Molecular Germline Variant Investigation Process 2024. Collection method: clinical testing. Allele origin: germline. Not counted in ClinVar's aggregate classification.

Blueprint Genetics
Classification: Likely benign. Last evaluated: 2024-11-18. Review status: criteria provided, single submitter. Criteria: ACMG Guidelines, 2015. Collection method: clinical testing. Allele origin: germline. Not counted in ClinVar's aggregate classification.

All of Us Research Program, National Institutes of Health
Classification: Likely benign for Marfan syndrome. Last evaluated: 2024-10-01. Review status: criteria provided, single submitter. Criteria: ACMG Guidelines, 2015. Collection method: clinical testing. Allele origin: germline. Inheritance: Autosomal dominant inheritance. Observed: 599 variant alleles, 598 heterozygotes, 1 hemizygote. Not counted in ClinVar's aggregate classification.
Comment: This study involves interpretation of variants in research participants for the purpose of population health screening. Participant phenotype was not available at the time of variant classification. Additional details can be found in publication PMID: 35346344, PMCID: PMC8962531

Centre of Medical Genetics, University of Antwerp
Classification: Uncertain significance for Familial thoracic aortic aneurysm and aortic dissection. Last evaluated: 2024-09-06. Review status: criteria provided, single submitter. Criteria: ACMG Guidelines, 2015. Collection method: clinical testing. Allele origin: germline. Affected: yes. Not counted in ClinVar's aggregate classification.

CHEO Genetics Diagnostic Laboratory, Children's Hospital of Eastern Ontario
Classification: Likely benign for Familial thoracic aortic aneurysm and aortic dissection. Last evaluated: 2023-04-28. Review status: criteria provided, single submitter. Criteria: ACMG Guidelines, 2015. Collection method: clinical testing. Allele origin: germline. Not counted in ClinVar's aggregate classification.

Ambry Genetics
Classification: Likely benign for Familial thoracic aortic aneurysm and aortic dissection. Last evaluated: 2022-04-21. Review status: criteria provided, single submitter. Criteria: Ambry Variant Classification Scheme 2023. Collection method: clinical testing. Allele origin: germline. Not counted in ClinVar's aggregate classification.

NM_000138.5(FBN1):c.3509G>A (p.Arg1170His)

Gene: FBN1 (fibrillin 1; minus strand). Cytogenetic location: 15q21.1.
Variant type: single nucleotide variant.
Coding change: c.3509G>A on transcript NM_000138.5 (MANE Select); coding-DNA position 3509, G replaced by A.
Protein change: p.Arg1170His; replaces arginine 1170 with histidine.
Molecular consequence: missense variant.
Genome position (GRCh38, 1-based): chr15:48,487,155, C>T on the plus strand (G>A on the coding strand, the complement: FBN1 is on the minus strand). VCF-style: chr15-48487155-C-T. GRCh37 (hg19) VCF-style: chr15-48779352-C-T.
Other names: p.R1170H:CGT>CAT; NM_000138.5(FBN1):c.3509G>A; short protein forms R1170H.
Identifiers: ClinVar variation 16451 (VCV000016451.91), dbSNP rs137854475, ClinGen allele CA014215.